The following is an entry in ClinVar:

ClinVar aggregate classification (germline): Likely benign (1 of 4 stars; one submission).

gnomAD v4.1: 2,153 of 1,613,622 alleles (0.13%); highest among the groups gnomAD compares: Non-Finnish European, 0.16%; 3 homozygotes.

Submission:

CeGaT Center for Human Genetics Tuebingen
Classification: Likely benign. Last evaluated: 2026-09-01. Review status: criteria provided, single submitter. Criteria: CeGaT Center For Human Genetics Tuebingen Variant Classification Criteria Version 2. Collection method: clinical testing. Allele origin: germline. Affected: yes. Observed: 1 variant allele.
Comment: PRKACB: BP4, BP7

NM_182948.4(PRKACB):c.597G>A (p.Val199=)

Gene: PRKACB (protein kinase cAMP-activated catalytic subunit beta; plus strand). Cytogenetic location: 1p31.1.
Variant type: single nucleotide variant.
Coding change: c.597G>A on transcript NM_182948.4 (MANE Select); coding-DNA position 597, G replaced by A.
Protein change: p.Val199=; no amino-acid change (valine 199 retained).
Molecular consequence: synonymous variant.
Genome position (GRCh38, 1-based): chr1:84,196,652, G>A. VCF-style: chr1-84196652-G-A. GRCh37 (hg19) VCF-style: chr1-84662335-G-A.
Other names: c.477G>A, p.Val159= (NM_001242857.3, NM_001375569.1, NM_001375581.1); c.420G>A, p.Val140= (NM_001242858.3, NM_001300917.2, NM_001375578.1); c.468G>A, p.Val156= (NM_001242859.3, NM_001375572.1); c.474G>A, p.Val158= (NM_001242860.3, NM_001300915.2, NM_001375571.1); c.366G>A, p.Val122= (NM_001242861.3); c.417G>A, p.Val139= (NM_001242862.3, NM_001375565.1, NM_001375579.1 and 1 more transcripts); c.597G>A, p.Val199= (NM_001300916.2); c.465G>A, p.Val155= (NM_001375560.1, NM_001375573.1, NM_001375575.1); and 5 more.
Identifiers: ClinVar variation 5040817 (VCV005040817.1).